The following is an entry in ClinVar:

NM_002941.4(ROBO1):c.699T>A (p.Ser233Arg)

Gene: ROBO1 (roundabout guidance receptor 1; minus strand). Cytogenetic location: 3p12.3.
Variant type: single nucleotide variant.
Coding change: c.699T>A on transcript NM_002941.4 (MANE Select); coding-DNA position 699, T replaced by A.
Protein change: p.Ser233Arg; replaces serine 233 with arginine.
Molecular consequence: missense variant.
Genome position (GRCh38, 1-based): chr3:78,717,842, A>T on the plus strand (T>A on the coding strand, the complement: ROBO1 is on the minus strand). VCF-style: chr3-78717842-A-T. GRCh37 (hg19) VCF-style: chr3-78766992-A-T.
Other names: c.582T>A, p.Ser194Arg (NM_001145845.2, NM_133631.4); short protein forms S194R, S233R.
Identifiers: ClinVar variation 3363847 (VCV003363847.2).

ClinVar aggregate classification (germline): Uncertain significance (1 of 4 stars; one submission).

Submission:

GeneDx
Classification: Uncertain significance. Last evaluated: 2024-12-07. Review status: criteria provided, single submitter. Criteria: GeneDx Variant Classification Process June 2021. Collection method: clinical testing. Allele origin: germline.
Comment: Not observed at significant frequency in large population cohorts (gnomAD); In silico analysis supports that this missense variant has a deleterious effect on protein structure/function; Has not been previously published as pathogenic or benign to our knowledge